The following is an entry in ClinVar:

NM_000466.3(PEX1):c.2215C>T (p.Pro739Ser)

Gene: PEX1 (peroxisomal biogenesis factor 1; minus strand). Cytogenetic location: 7q21.2.
Variant type: single nucleotide variant.
Coding change: c.2215C>T on transcript NM_000466.3 (MANE Select); coding-DNA position 2215, C replaced by T.
Protein change: p.Pro739Ser; replaces proline 739 with serine.
Molecular consequence: missense variant.
Genome position (GRCh38, 1-based): chr7:92,503,052, G>A on the plus strand (C>T on the coding strand, the complement: PEX1 is on the minus strand). VCF-style: chr7-92503052-G-A. GRCh37 (hg19) VCF-style: chr7-92132366-G-A.
Other names: c.2044C>T, p.Pro682Ser (NM_001282677.2); c.1591C>T, p.Pro531Ser (NM_001282678.2); short protein forms P531S, P739S, P682S.
Identifiers: ClinVar variation 2129402 (VCV002129402.4), dbSNP rs2484664747, ClinGen allele CA368181080.

ClinVar aggregate classification (germline): Uncertain significance (1 of 4 stars; one submission).

Conditions:
Zellweger spectrum disorders (ZS). Also called: Zellweger Spectrum Disorder (ZSD); Zellweger syndrome; Zellweger Spectrum Disorder; Zellweger Spectrum. Identifiers: Orphanet 912, MedGen C0043459, MONDO:0019609.

Submission:

Labcorp Genetics (formerly Invitae), Labcorp
Classification: Uncertain significance for Zellweger spectrum disorders. Last evaluated: 2022-05-18. Review status: criteria provided, single submitter. Criteria: Invitae Variant Classification Sherloc (09022015). Collection method: clinical testing. Allele origin: germline.
Comment: This variant has not been reported in the literature in individuals affected with PEX1-related conditions. This variant is not present in population databases (gnomAD no frequency). This sequence change replaces proline, which is neutral and non-polar, with serine, which is neutral and polar, at codon 739 of the PEX1 protein (p.Pro739Ser). In summary, the available evidence is currently insufficient to determine the role of this variant in disease. Therefore, it has been classified as a Variant of Uncertain Significance. Algorithms developed to predict the effect of missense changes on protein structure and function (SIFT, PolyPhen-2, Align-GVGD) all suggest that this variant is likely to be tolerated.